The following is an entry in ClinVar:

ClinVar aggregate classification (germline): Uncertain significance (1 of 4 stars; one submission).

Submission:

GeneDx
Classification: Uncertain significance. Last evaluated: 2026-02-06. Review status: criteria provided, single submitter. Criteria: GeneDx Variant Classification Process June 2021. Collection method: clinical testing. Allele origin: germline.
Comment: Not observed at significant frequency in large population cohorts (gnomAD); In silico analysis supports that this missense variant has a deleterious effect on protein structure/function; Has not been previously published as pathogenic or benign to our knowledge

NM_015355.4(SUZ12):c.1546C>A (p.Arg516Ser)

Gene: SUZ12 (SUZ12 polycomb repressive complex 2 subunit; plus strand). Cytogenetic location: 17q11.2.
Variant type: single nucleotide variant.
Coding change: c.1546C>A on transcript NM_015355.4 (MANE Select); coding-DNA position 1546, C replaced by A.
Protein change: p.Arg516Ser; replaces arginine 516 with serine.
Molecular consequence: missense variant.
Genome position (GRCh38, 1-based): chr17:31,994,672, C>A. VCF-style: chr17-31994672-C-A. GRCh37 (hg19) VCF-style: chr17-30321691-C-A.
Other names: c.1477C>A, p.Arg493Ser (NM_001321207.2); short protein forms R493S, R516S.
Identifiers: ClinVar variation 4975764 (VCV004975764.1).